The following is an entry in ClinVar:

ClinVar aggregate classification (germline): Pathogenic/Likely pathogenic. Review status: criteria provided, multiple submitters, no conflicts (2 of 4 stars). 4 submissions from 4 submitters: Pathogenic (1); Likely pathogenic (3). Last evaluated 2024-08-29.

Conditions:
Autosomal recessive nonsyndromic hearing loss 23. Identifiers: Orphanet 90636, MedGen C1836027, MONDO:0012293, OMIM 609533.
Usher syndrome type 1D (USH1D). Also called: USHER SYNDROME, TYPE ID. Identifiers: Orphanet 231169, Orphanet 886, MedGen C1832845, MONDO:0010984, OMIM 601067.
Usher syndrome type 1F (USH1F). Also called: USHER SYNDROME, TYPE IF. Identifiers: Orphanet 231169, Orphanet 886, MedGen C1865885, MONDO:0011186, OMIM 602083.
PCDH15-related disorder. Also called: PCDH15-related disorders; PCDH15-related condition.

Allele frequency attached by ClinVar (database versions not stated): TOPMed below 0.00001.

Submissions (4):

Natera, Inc.
Classification: Likely pathogenic for Usher syndrome type 1F. Last evaluated: 2024-08-29. Review status: criteria provided, single submitter. Criteria: Natera Variant Classification Schema (03/2026). Collection method: clinical testing. Allele origin: germline.
Comment: The c.3688A>T variant in PCDH15 is a nonsense variant predicted to introduce a stop codon at amino acid 1230. This variant is expected to result in nonsense mediated decay, truncation, or a dysfunctional protein product. This variant is rare in the general population with a frequency below the threshold expected for the associated phenotype(s). Given the available evidence, this variant is classified as Likely Pathogenic.

Fulgent Genetics
Classification: Likely pathogenic for Usher syndrome type 1D; Usher syndrome type 1F; Autosomal recessive nonsyndromic hearing loss 23. Last evaluated: 2024-05-30. Review status: criteria provided, single submitter. Criteria: ACMG Guidelines, 2015. Collection method: clinical testing. Allele origin: germline.

Labcorp Genetics (formerly Invitae), Labcorp
Classification: Pathogenic. Last evaluated: 2022-02-09. Review status: criteria provided, single submitter. Criteria: Invitae Variant Classification Sherloc (09022015). Collection method: clinical testing. Allele origin: germline.
Comment: This sequence change creates a premature translational stop signal (p.Lys1230*) in the PCDH15 gene. It is expected to result in an absent or disrupted protein product. Loss-of-function variants in PCDH15 are known to be pathogenic (PMID: 11398101, 11487575, 14570705). This variant is not present in population databases (gnomAD no frequency). This variant has not been reported in the literature in individuals affected with PCDH15-related conditions. Algorithms developed to predict the effect of sequence changes on RNA splicing suggest that this variant may create or strengthen a splice site. For these reasons, this variant has been classified as Pathogenic.

Blueprint Genetics
Classification: Likely pathogenic for PCDH15-related disorders. Last evaluated: 2020-07-21. Review status: criteria provided, single submitter. Criteria: ACMG Guidelines, 2015. Collection method: clinical testing. Allele origin: germline. Affected: yes. Observed: 1 variant allele.

Literature cited by the submitters: PubMed 11398101 (cited by Labcorp Genetics (formerly Invitae), Labcorp); PubMed 11487575 (cited by Labcorp Genetics (formerly Invitae), Labcorp); PubMed 14570705 (cited by Labcorp Genetics (formerly Invitae), Labcorp).

NM_001384140.1(PCDH15):c.3688A>T (p.Lys1230Ter)

Gene: PCDH15 (protocadherin related 15; minus strand). Cytogenetic location: 10q21.1.
Variant type: single nucleotide variant.
Coding change: c.3688A>T on transcript NM_001384140.1 (MANE Select); coding-DNA position 3688, A replaced by T.
Protein change: p.Lys1230Ter; replaces lysine 1230 with a stop codon.
Molecular consequence: nonsense.
Genome position (GRCh38, 1-based): chr10:53,866,671, T>A on the plus strand (A>T on the coding strand, the complement: PCDH15 is on the minus strand). VCF-style: chr10-53866671-T-A. GRCh37 (hg19) VCF-style: chr10-55626431-T-A.
Other names: c.3703A>T, p.Lys1235Ter (NM_001142763.2, NM_001142771.2); c.3688A>T, p.Lys1230Ter (NM_001142764.2, NM_001142766.2, NM_001142770.3 and 4 more transcripts); c.3475A>T, p.Lys1159Ter (NM_001142765.2); c.3577A>T, p.Lys1193Ter (NM_001142767.2); c.3622A>T, p.Lys1208Ter (NM_001142768.2, NM_001142773.2, NM_001354404.2); c.3724A>T, p.Lys1242Ter (NM_001142769.4); c.3709A>T, p.Lys1237Ter (NM_001354411.2); short protein forms K1208*, K1235*, K1193*, K1159*, K1230*, K1242*, K1237*.
Identifiers: ClinVar variation 1451278 (VCV001451278.9), dbSNP rs2079479378, ClinGen allele CA376516498.